The following is an entry in ClinVar:

NM_001127392.3(MYRF):c.2374C>T (p.Arg792Cys)

Gene: MYRF (myelin regulatory factor; plus strand). Cytogenetic location: 11q12.2.
Variant type: single nucleotide variant.
Coding change: c.2374C>T on transcript NM_001127392.3 (MANE Select); coding-DNA position 2374, C replaced by T.
Protein change: p.Arg792Cys; replaces arginine 792 with cysteine.
Molecular consequence: missense variant.
Genome position (GRCh38, 1-based): chr11:61,780,259, C>T. VCF-style: chr11-61780259-C-T. GRCh37 (hg19) VCF-style: chr11-61547731-C-T.
Other names: c.2347C>T, p.Arg783Cys (NM_013279.4); short protein forms R783C, R792C.
Identifiers: ClinVar variation 5003004 (VCV005003004.1).

ClinVar aggregate classification (germline): Uncertain significance (1 of 4 stars; one submission).

Conditions:
Encephalitis/encephalopathy, mild, with reversible myelin vacuolization. Also called: ENCEPHALITIS/ENCEPHALOPATHY, MILD, WITH REVERSIBLE SPLENIAL LESION. Identifiers: MedGen C4722446, MONDO:0020853, OMIM 618113.

gnomAD v4.1: 61 of 1,613,706 alleles (0.0038%); highest among the groups gnomAD compares: Admixed American, 0.0083%; no homozygotes.

Submission:

OLLIN Analises Genomicas, OLLIN
Classification: Uncertain significance for Encephalitis/encephalopathy, mild, with reversible myelin vacuolization. Last evaluated: 2026-08-06. Review status: criteria provided, single submitter. Criteria: ACMG Guidelines 2015 PMID 25741868. Collection method: clinical testing. Allele origin: germline. Inheritance: Autosomal dominant inheritance.
Comment: This missense variant, located in exon 18 (of 27), has been observed in gnomAD with an allele frequency of 0.0038%, but has not been reported in ClinVar or identified in the literature. In silico analysis is inconclusive regarding the impact of this variant. This gene is constrained for missense variation. According to the currently available evidence, this variant has been classified as uncertain significance (PP2, BS1).